The following is an entry in ClinVar:

NM_001232.4(CASQ2):c.1029G>C (p.Trp343Cys)

Gene: CASQ2 (calsequestrin 2; minus strand). Cytogenetic location: 1p13.1.
Variant type: single nucleotide variant.
Coding change: c.1029G>C on transcript NM_001232.4 (MANE Select); coding-DNA position 1029, G replaced by C.
Protein change: p.Trp343Cys; replaces tryptophan 343 with cysteine.
Molecular consequence: missense variant.
Genome position (GRCh38, 1-based): chr1:115,701,412, C>G on the plus strand (G>C on the coding strand, the complement: CASQ2 is on the minus strand). VCF-style: chr1-115701412-C-G. GRCh37 (hg19) VCF-style: chr1-116244033-C-G.
Other names: short protein forms W343C.
Identifiers: ClinVar variation 1414561 (VCV001414561.7), dbSNP rs2101052355, ClinGen allele CA341766525.
Genomic context (GRCh38, chr1:115,701,412, plus strand): 5'-CTCAATCCAGTCCTCCAGCTCCTCAGCAGTTGGAAGATCGTCATCATCTGGAATCTCCAT[C>G]CAGACACTGTCAGCCTGCAGTGAGGGACAAAATGAATGAGTGGGTAAATGCATGAGGGCT-3'
Protein context (NP_001223.2, residues 333-353): VVNVTDADSV[Trp343Cys]MEIPDDDDLP

ClinVar aggregate classification (germline): Uncertain significance (1 of 4 stars; one submission).

Conditions:
Catecholaminergic polymorphic ventricular tachycardia 1. Also called: RYR2-Related Catecholaminergic Polymorphic Ventricular Tachycardia; VENTRICULAR TACHYCARDIA, STRESS-INDUCED POLYMORPHIC 1; VENTRICULAR TACHYCARDIA, CATECHOLAMINERGIC POLYMORPHIC, 1, WITH OR WITHOUT ATRIAL DYSFUNCTION AND/OR DILATED CARDIOMYOPATHY. Identifiers: Orphanet 3286, MedGen C1631597, MONDO:0011484, OMIM 604772.

Submission:

Labcorp Genetics (formerly Invitae), Labcorp
Classification: Uncertain significance for Catecholaminergic polymorphic ventricular tachycardia 1. Last evaluated: 2022-01-05. Review status: criteria provided, single submitter. Criteria: Invitae Variant Classification Sherloc (09022015). Collection method: clinical testing. Allele origin: germline.
Comment: This sequence change replaces tryptophan, which is neutral and slightly polar, with cysteine, which is neutral and slightly polar, at codon 343 of the CASQ2 protein (p.Trp343Cys). This variant is not present in population databases (gnomAD no frequency). In summary, the available evidence is currently insufficient to determine the role of this variant in disease. Therefore, it has been classified as a Variant of Uncertain Significance. Algorithms developed to predict the effect of missense changes on protein structure and function (SIFT, PolyPhen-2, Align-GVGD) all suggest that this variant is likely to be disruptive. This missense change has been observed in individual(s) with clinical features of catecholaminergic polymorphic ventricular tachycardia (Invitae).